The following is an entry in ClinVar:

ClinVar aggregate classification (germline): Pathogenic (1 of 4 stars; one submission).

Submission:

Labcorp Genetics (formerly Invitae), Labcorp
Classification: Pathogenic. Last evaluated: 2022-04-11. Review status: criteria provided, single submitter. Criteria: Invitae Variant Classification Sherloc (09022015). Collection method: clinical testing. Allele origin: germline.
Comment: For these reasons, this variant has been classified as Pathogenic. This variant has not been reported in the literature in individuals affected with AQP2-related conditions. This variant is not present in population databases (gnomAD no frequency). This sequence change creates a premature translational stop signal (p.His80Glnfs*52) in the AQP2 gene. It is expected to result in an absent or disrupted protein product. Loss-of-function variants in AQP2 are known to be pathogenic (PMID: 9024277, 27156763).

Literature cited by the submitters: PubMed 9024277; PubMed 27156763.

NM_000486.6(AQP2):c.240del (p.His80fs)

Gene: AQP2 (aquaporin 2; plus strand). Cytogenetic location: 12q13.12.
Variant type: Deletion.
Coding change: c.240del on transcript NM_000486.6 (MANE Select); coding-DNA position 240, one base deleted (C; older notation c.240delC).
Protein change: p.His80fs; shifts the reading frame from histidine 80.
Molecular consequence: frameshift variant.
Genome position (GRCh38, 1-based): chr12:49,951,070, C deleted. VCF-style (leftmost placement, unchanged base first): chr12-49951069-AC-A. GRCh37 (hg19) VCF-style: chr12-50344852-AC-A.
Other names: short protein forms H80fs.
Identifiers: ClinVar variation 2124687 (VCV002124687.4), dbSNP rs2547997066, ClinGen allele CA2580086375.